The following is an entry in ClinVar:

ClinVar aggregate classification (germline): Uncertain significance (1 of 4 stars; one submission).

Conditions:
Hereditary cancer-predisposing syndrome. Also called: Neoplastic Syndromes, Hereditary; Tumor predisposition; Hereditary Cancer Syndrome; Hereditary neoplastic syndrome. Identifiers: Orphanet 140162, MedGen C0027672, MeSH D009386, MONDO:0015356.

Submission:

Ambry Genetics
Classification: Uncertain significance for Hereditary cancer-predisposing syndrome. Last evaluated: 2026-03-30. Review status: criteria provided, single submitter. Criteria: Ambry Variant Classification Scheme 2023. Collection method: clinical testing. Allele origin: germline.
Comment: The p.K89E variant (also known as c.265A>G), located in coding exon 2 of the PTCH1 gene, results from an A to G substitution at nucleotide position 265. The lysine at codon 89 is replaced by glutamic acid, an amino acid with similar properties. This amino acid position is conserved. In addition, the in silico prediction for this alteration is inconclusive. Based on the available evidence, the clinical significance of this variant remains unclear.

NM_000264.5(PTCH1):c.265A>G (p.Lys89Glu)

Gene: PTCH1 (patched 1; minus strand). Cytogenetic location: 9q22.32.
Variant type: single nucleotide variant.
Coding change: c.265A>G on transcript NM_000264.5 (MANE Select); coding-DNA position 265, A replaced by G.
Protein change: p.Lys89Glu; replaces lysine 89 with glutamic acid.
Molecular consequence: missense variant. On other transcripts: 5 prime UTR variant (4), non-coding transcript variant (1).
Genome position (GRCh38, 1-based): chr9:95,506,536, T>C on the plus strand (A>G on the coding strand, the complement: PTCH1 is on the minus strand). VCF-style: chr9-95506536-T-C. GRCh37 (hg19) VCF-style: chr9-98268818-T-C.
Other names: c.67A>G, p.Lys23Glu (NM_001083602.3, NM_001354919.2); c.262A>G, p.Lys88Glu (NM_001083603.3); c.-189A>G (NM_001083604.3, NM_001083605.3, NM_001083606.3 and 1 more transcripts); c.265A>G, p.Lys89Glu (NM_001354918.2); short protein forms K23E, K88E, K89E.
Identifiers: ClinVar variation 4862653 (VCV004862653.1).